The following is an entry in ClinVar:

ClinVar aggregate classification (germline): Uncertain significance (1 of 4 stars; one submission).

Conditions:
Hereditary cancer-predisposing syndrome. Also called: Neoplastic Syndromes, Hereditary; Tumor predisposition; Hereditary neoplastic syndrome; Hereditary Cancer Syndrome. Identifiers: Orphanet 140162, MedGen C0027672, MeSH D009386, MONDO:0015356.

Submission:

Ambry Genetics
Classification: Uncertain significance for Hereditary cancer-predisposing syndrome. Last evaluated: 2023-02-16. Review status: criteria provided, single submitter. Criteria: Ambry Variant Classification Scheme 2023. Collection method: clinical testing. Allele origin: germline.
Comment: The p.V298M variant (also known as c.892G>A), located in coding exon 4 of the BARD1 gene, results from a G to A substitution at nucleotide position 892. The valine at codon 298 is replaced by methionine, an amino acid with highly similar properties. This amino acid position is conserved. In addition, this alteration is predicted to be tolerated by in silico analysis. Since supporting evidence is limited at this time, the clinical significance of this alteration remains unclear.

NM_000465.4(BARD1):c.892G>A (p.Val298Met)

Gene: BARD1 (BRCA1 associated RING domain 1; minus strand). Cytogenetic location: 2q35.
Variant type: single nucleotide variant.
Coding change: c.892G>A on transcript NM_000465.4 (MANE Select); coding-DNA position 892, G replaced by A.
Protein change: p.Val298Met; replaces valine 298 with methionine.
Molecular consequence: missense variant. On other transcripts: non-coding transcript variant (2), intron variant (3).
Genome position (GRCh38, 1-based): chr2:214,780,982, C>T on the plus strand (G>A on the coding strand, the complement: BARD1 is on the minus strand). VCF-style: chr2-214780982-C-T. GRCh37 (hg19) VCF-style: chr2-215645706-C-T.
Other names: c.835G>A, p.Val279Met (NM_001282543.2); c.159-28427G>A (NM_001282548.2); c.215+16079G>A (NM_001282545.2); c.364+11315G>A (NM_001282549.2); short protein forms V279M, V298M.
Identifiers: ClinVar variation 2450483 (VCV002450483.2), dbSNP rs2106109929, ClinGen allele CA350455135.
Genomic context (GRCh38, chr2:214,780,982, plus strand): 5'-TTTCTAATGGCAAAGATTTCTTAGATGTAAGATAATTTTTGCAGACCTTCTCAGGAGTCA[C>T]TACTTCATTCCTGCTCTTAGTGTCTGGAGACTCTATTTGCTCAGCCAATGGTAAAGAGAC-3'
Protein context (NP_000456.2, residues 288-308): SPDTKSRNEV[Val298Met]TPEKVCKNYL